The following is an entry in ClinVar:

ClinVar aggregate classification (germline): Likely pathogenic. Review status: criteria provided, multiple submitters, no conflicts (2 of 4 stars). 2 submissions from 2 submitters: Likely pathogenic (2). Last evaluated 2021-09-26.

Conditions:
Congenital disorder of glycosylation, type Iaa. Also called: Congenital disorder of glycosylation, type 1aa. Identifiers: MedGen C4310727, MONDO:0014904, OMIM 617082.
Intellectual developmental disorder, autosomal dominant 55, with seizures. Also called: MENTAL RETARDATION, AUTOSOMAL DOMINANT 55, WITH SEIZURES; Intellectual disability, autosomal dominant 55, with seizures. Identifiers: MedGen C4693371, MONDO:0030921, OMIM 617831.

Submissions (2):

Labcorp Genetics (formerly Invitae), Labcorp
Classification: Likely pathogenic for Congenital disorder of glycosylation, type Iaa. Last evaluated: 2021-09-26. Review status: criteria provided, single submitter. Criteria: Invitae Variant Classification Sherloc (09022015). Collection method: clinical testing. Allele origin: germline.
Comment: In summary, the currently available evidence indicates that the variant is pathogenic, but additional data are needed to prove that conclusively. Therefore, this variant has been classified as Likely Pathogenic. Algorithms developed to predict the effect of sequence changes on RNA splicing suggest that this variant may disrupt the consensus splice site. This variant has not been reported in the literature in individuals affected with NUS1-related conditions. This variant is not present in population databases (ExAC no frequency). This sequence change affects an acceptor splice site in intron 3 of the NUS1 gene. It is expected to disrupt RNA splicing. Variants that disrupt the donor or acceptor splice site typically lead to a loss of protein function (PMID: 16199547), and loss-of-function variants in NUS1 are known to be pathogenic (PMID: 29100083).

CENTOGENE GmbH and LLC - Guiding Precision Medicine
Classification: Likely pathogenic for Intellectual developmental disorder, autosomal dominant 55, with seizures. Last evaluated: 2021-05-17. Review status: criteria provided, single submitter. Criteria: ACMG Guidelines, 2015. Collection method: clinical testing. Allele origin: de novo. Affected: yes.

Literature cited by the submitters: PubMed 16199547 (cited by Labcorp Genetics (formerly Invitae), Labcorp); PubMed 29100083 (cited by Labcorp Genetics (formerly Invitae), Labcorp).

NM_138459.5(NUS1):c.692-2A>G

Gene: NUS1 (NUS1 dehydrodolichyl diphosphate synthase subunit; plus strand). Cytogenetic location: 6q22.1.
Variant type: single nucleotide variant.
Coding change: c.692-2A>G on transcript NM_138459.5 (MANE Select); the canonical splice acceptor site of the intron before coding-DNA position 692, A replaced by G.
Molecular consequence: splice acceptor variant.
Genome position (GRCh38, 1-based): chr6:117,703,603, A>G. VCF-style: chr6-117703603-A-G. GRCh37 (hg19) VCF-style: chr6-118024766-A-G.
Identifiers: ClinVar variation 1334062 (VCV001334062.7), dbSNP rs2114693876, ClinGen allele CA365537240.